The following is an entry in ClinVar:

NM_000548.5(TSC2):c.4466C>G (p.Ala1489Gly)

Gene: TSC2 (TSC complex subunit 2; plus strand). Cytogenetic location: 16p13.3.
Variant type: single nucleotide variant.
Coding change: c.4466C>G on transcript NM_000548.5 (MANE Select); coding-DNA position 4466, C replaced by G.
Protein change: p.Ala1489Gly; replaces alanine 1489 with glycine.
Molecular consequence: missense variant. On other transcripts: non-coding transcript variant (5).
Genome position (GRCh38, 1-based): chr16:2,084,688, C>G. VCF-style: chr16-2084688-C-G. GRCh37 (hg19) VCF-style: chr16-2134689-C-G.
Other names: c.4265C>G, p.Ala1422Gly (NM_001077183.3); c.4397C>G, p.Ala1466Gly (NM_001114382.3); c.4157C>G, p.Ala1386Gly (NM_001318827.2); c.4121C>G, p.Ala1374Gly (NM_001318829.2); c.3734C>G, p.Ala1245Gly (NM_001318831.2); c.4298C>G, p.Ala1433Gly (NM_001318832.2); c.4268C>G, p.Ala1423Gly (NM_001363528.2); c.4334C>G, p.Ala1445Gly (NM_001370404.1); and 26 more; short protein forms A1018G, A1222G, A1223G, A1245G, A1265G, A1266G, A1269G, A1289G.
Identifiers: ClinVar variation 3366185 (VCV003366185.1).
Genomic context (GRCh38, chr16:2,084,688, plus strand): 5'-CACGCAGGGGCAAGAGAGTAGAGAGGGACGCCTTAAAGAGCAGAGCCACAGCCTCCAATG[C>G]AGAGAAAGTGCCAGGCATCAACCCCAGGTGGGCCTCTTGCTTCCGGGCGGGGCTCCTGAC-3'
Protein context (NP_000539.2, residues 1479-1499): ALKSRATASN[Ala1489Gly]EKVPGINPSF

ClinVar aggregate classification (germline): Uncertain significance (1 of 4 stars; one submission).

Submission:

GeneDx
Classification: Uncertain significance. Last evaluated: 2023-10-18. Review status: criteria provided, single submitter. Criteria: GeneDx Variant Classification Process June 2021. Collection method: clinical testing. Allele origin: germline. Affected: yes.
Comment: Not observed at significant frequency in large population cohorts (gnomAD); In silico analysis supports that this missense variant does not alter protein structure/function; Has not been previously published as pathogenic or benign to our knowledge